The following is an entry in ClinVar:

ClinVar aggregate classification (germline): Uncertain significance (1 of 4 stars; one submission).

Submission:

Labcorp Genetics (formerly Invitae), Labcorp
Classification: Uncertain significance. Last evaluated: 2024-03-09. Review status: criteria provided, single submitter. Criteria: Invitae Variant Classification Sherloc (09022015). Collection method: clinical testing. Allele origin: germline.
Comment: This sequence change replaces alanine, which is neutral and non-polar, with threonine, which is neutral and polar, at codon 851 of the CLTC protein (p.Ala851Thr). This variant is not present in population databases (gnomAD no frequency). This variant has not been reported in the literature in individuals affected with CLTC-related conditions. Advanced modeling of protein sequence and biophysical properties (such as structural, functional, and spatial information, amino acid conservation, physicochemical variation, residue mobility, and thermodynamic stability) performed at Invitae indicates that this missense variant is not expected to disrupt CLTC protein function with a negative predictive value of 80%. In summary, the available evidence is currently insufficient to determine the role of this variant in disease. Therefore, it has been classified as a Variant of Uncertain Significance.

NM_004859.4(CLTC):c.2539G>A (p.Ala847Thr)

Gene: CLTC (clathrin heavy chain; plus strand). Cytogenetic location: 17q23.1.
Variant type: single nucleotide variant.
Coding change: c.2539G>A on transcript NM_004859.4 (MANE Select); coding-DNA position 2539, G replaced by A.
Protein change: p.Ala847Thr; replaces alanine 847 with threonine.
Molecular consequence: missense variant.
Genome position (GRCh38, 1-based): chr17:59,674,821, G>A. VCF-style: chr17-59674821-G-A. GRCh37 (hg19) VCF-style: chr17-57752182-G-A.
Other names: c.2551G>A, p.Ala851Thr (NM_001288653.2); short protein forms A847T, A851T.
Identifiers: ClinVar variation 3645157 (VCV003645157.2).